The following is an entry in ClinVar:

NM_000138.5(FBN1):c.4468G>A (p.Glu1490Lys)

Gene: FBN1 (fibrillin 1; minus strand). Cytogenetic location: 15q21.1.
Variant type: single nucleotide variant.
Coding change: c.4468G>A on transcript NM_000138.5 (MANE Select); coding-DNA position 4468, G replaced by A.
Protein change: p.Glu1490Lys; replaces glutamic acid 1490 with lysine.
Molecular consequence: missense variant.
Genome position (GRCh38, 1-based): chr15:48,468,526, C>T on the plus strand (G>A on the coding strand, the complement: FBN1 is on the minus strand). VCF-style: chr15-48468526-C-T. GRCh37 (hg19) VCF-style: chr15-48760723-C-T.
Other names: short protein forms E1490K.
Identifiers: ClinVar variation 549235 (VCV000549235.12), dbSNP rs1060501076, ClinGen allele CA392353818.
Genomic context (GRCh38, chr15:48,468,526, plus strand): 5'-TATAGCTGCCTGGAGTGTTGACACAGTTCCCACTGATGCACGTGGTTGGATCCAGGCATT[C>T]ATTCACATCTAAAACCGAACAGTGAGTAGTGGAGTTATCACCTGAGCCAGTGTAGGCAGA-3'
Protein context (NP_000129.3, residues 1480-1500): RSGGNCTDVN[Glu1490Lys]CLDPTTCISG

ClinVar aggregate classification (germline): Pathogenic/Likely pathogenic. Review status: criteria provided, multiple submitters, no conflicts (2 of 4 stars). 3 submissions from 3 submitters: Pathogenic (1); Likely pathogenic (1). 1 of the submissions does not count toward it. Last evaluated 2024-07-30.

Conditions:
Familial thoracic aortic aneurysm and aortic dissection (TAAD). Also called: Thoracic aortic aneurysms and dissections. Identifiers: Orphanet 91387, MedGen C4707243, MONDO:0019625.
Marfan syndrome (MFS). Also called: Marfan syndrome type 1; Marfan syndrome, classic; Marfan's syndrome; FBN1-Related Marfan Syndrome; MARFAN SYNDROME, TYPE I. Identifiers: Orphanet 284963, Orphanet 558, MedGen C0024796, MONDO:0007947, OMIM 154700.

Submissions (3):

Labcorp Genetics (formerly Invitae), Labcorp
Classification: Pathogenic for Marfan syndrome; Familial thoracic aortic aneurysm and aortic dissection. Last evaluated: 2024-07-30. Review status: criteria provided, single submitter. Criteria: Invitae Variant Classification Sherloc (09022015). Collection method: clinical testing. Allele origin: germline.
Comment: This sequence change replaces glutamic acid, which is acidic and polar, with lysine, which is basic and polar, at codon 1490 of the FBN1 protein (p.Glu1490Lys). This variant is not present in population databases (gnomAD no frequency). This missense change has been observed in individual(s) with clinical features of Marfan syndrome (Invitae). In at least one individual the variant was observed to be de novo. ClinVar contains an entry for this variant (Variation ID: 549235). Advanced modeling of protein sequence and biophysical properties (such as structural, functional, and spatial information, amino acid conservation, physicochemical variation, residue mobility, and thermodynamic stability) performed at Invitae indicates that this missense variant is expected to disrupt FBN1 protein function with a positive predictive value of 95%. For these reasons, this variant has been classified as Pathogenic.

Ambry Genetics
Classification: Likely pathogenic for Familial thoracic aortic aneurysm and aortic dissection. Last evaluated: 2024-01-22. Review status: criteria provided, single submitter. Criteria: Ambry Variant Classification Scheme 2023. Collection method: clinical testing. Allele origin: germline.
Comment: The p.E1490K variant (also known as c.4468G>A), located in coding exon 36 of the FBN1 gene, results from a G to A substitution at nucleotide position 4468. The glutamic acid at codon 1490 is replaced by lysine, an amino acid with similar properties. This variant alters a conserved residue in the calcium-binding consensus sequence of a cbEGF domain and is expected to disrupt FBN1 function (Handford PA et al. Nature. 1991; 351(6322):164-7). This variant has been reported in two individuals with concerns for Marfan syndrome (Ambry internal data). This variant is considered to be rare based on population cohorts in the Genome Aggregation Database (gnomAD). This amino acid position is highly conserved in available vertebrate species. In addition, this alteration is predicted to be deleterious by in silico analysis. Based on the majority of available evidence to date, this variant is likely to be pathogenic.

Center for Medical Genetics Ghent, University of Ghent
Classification: Uncertain significance for Marfan syndrome. Last evaluated: 2017-11-07. Review status: no assertion criteria provided. Collection method: clinical testing. Allele origin: germline. Affected: yes. Not counted in ClinVar's aggregate classification.

Literature cited by the submitters: PubMed 15062093 (cited by Ambry Genetics).